The following is an entry in ClinVar:

NM_000081.4(LYST):c.5776A>G (p.Lys1926Glu)

Gene: LYST (lysosomal trafficking regulator; minus strand). Cytogenetic location: 1q42.3.
Variant type: single nucleotide variant.
Coding change: c.5776A>G on transcript NM_000081.4 (MANE Select); coding-DNA position 5776, A replaced by G.
Protein change: p.Lys1926Glu; replaces lysine 1926 with glutamic acid.
Molecular consequence: missense variant.
Genome position (GRCh38, 1-based): chr1:235,773,850, T>C on the plus strand (A>G on the coding strand, the complement: LYST is on the minus strand). VCF-style: chr1-235773850-T-C. GRCh37 (hg19) VCF-style: chr1-235937150-T-C.
Other names: p.Lys1926Glu; c.5776A>G (NM_000081.3); c.5776A>G, p.Lys1926Glu (NM_001301365.1); short protein forms K1926E.
Identifiers: ClinVar variation 1001620 (VCV001001620.6), dbSNP rs201984316, ClinGen allele CA1466540.

ClinVar aggregate classification (germline): Uncertain significance. Review status: criteria provided, multiple submitters, no conflicts (2 of 4 stars). 2 submissions from 2 submitters: Uncertain significance (2). Last evaluated 2022-07-19.

Conditions:
Chédiak-Higashi syndrome (CHS). Also called: Chediak-Higashi Syndrome. Identifiers: Orphanet 167, MedGen C0007965, MONDO:0008963, OMIM 214500.

Allele frequency attached by ClinVar (database versions not stated): gnomAD exomes below 0.00001; ExAC 0.00001; gnomAD 0.00001; TOPMed 0.00001.
gnomAD v4.1: 10 of 1,612,156 alleles (0.00062%); highest among the groups gnomAD compares: Admixed American, 0.012%; no homozygotes.

Submissions (2):

Labcorp Genetics (formerly Invitae), Labcorp
Classification: Uncertain significance for Chédiak-Higashi syndrome. Last evaluated: 2022-07-19. Review status: criteria provided, single submitter. Criteria: Invitae Variant Classification Sherloc (09022015). Collection method: clinical testing. Allele origin: germline.
Comment: This sequence change replaces lysine, which is basic and polar, with glutamic acid, which is acidic and polar, at codon 1926 of the LYST protein (p.Lys1926Glu). This variant is present in population databases (rs201984316, gnomAD 0.003%). This variant has not been reported in the literature in individuals affected with LYST-related conditions. ClinVar contains an entry for this variant (Variation ID: 1001620). Algorithms developed to predict the effect of missense changes on protein structure and function are either unavailable or do not agree on the potential impact of this missense change (SIFT: "Deleterious"; PolyPhen-2: "Possibly Damaging"; Align-GVGD: "Class C0"). In summary, the available evidence is currently insufficient to determine the role of this variant in disease. Therefore, it has been classified as a Variant of Uncertain Significance.

Mayo Clinic Laboratories, Mayo Clinic
Classification: Uncertain significance. Last evaluated: 2022-03-16. Review status: criteria provided, single submitter. Criteria: ACMG Guidelines, 2015. Collection method: clinical testing. Allele origin: germline. Observed: 1 variant allele.
Comment: PM2